The following is an entry in ClinVar:

ClinVar aggregate classification (germline): Uncertain significance (1 of 4 stars; one submission).

Submission:

Labcorp Genetics (formerly Invitae), Labcorp
Classification: Uncertain significance. Last evaluated: 2022-01-16. Review status: criteria provided, single submitter. Criteria: Invitae Variant Classification Sherloc (09022015). Collection method: clinical testing. Allele origin: germline.
Comment: This variant has not been reported in the literature in individuals affected with ABCA4-related conditions. This sequence change replaces asparagine, which is neutral and polar, with lysine, which is basic and polar, at codon 826 of the ABCA4 protein (p.Asn826Lys). This variant is not present in population databases (gnomAD no frequency). Advanced modeling of protein sequence and biophysical properties (such as structural, functional, and spatial information, amino acid conservation, physicochemical variation, residue mobility, and thermodynamic stability) performed at Invitae indicates that this missense variant is not expected to disrupt ABCA4 protein function. In summary, the available evidence is currently insufficient to determine the role of this variant in disease. Therefore, it has been classified as a Variant of Uncertain Significance.

NM_000350.3(ABCA4):c.2478C>A (p.Asn826Lys)

Gene: ABCA4 (ATP binding cassette subfamily A member 4; minus strand). Cytogenetic location: 1p22.1.
Variant type: single nucleotide variant.
Coding change: c.2478C>A on transcript NM_000350.3 (MANE Select); coding-DNA position 2478, C replaced by A.
Protein change: p.Asn826Lys; replaces asparagine 826 with lysine.
Molecular consequence: missense variant.
Genome position (GRCh38, 1-based): chr1:94,055,220, G>T on the plus strand (C>A on the coding strand, the complement: ABCA4 is on the minus strand). VCF-style: chr1-94055220-G-T. GRCh37 (hg19) VCF-style: chr1-94520776-G-T.
Other names: c.2256C>A, p.Asn752Lys (NM_001425324.1); short protein forms N826K, N752K.
Identifiers: ClinVar variation 1357204 (VCV001357204.8), dbSNP rs2101067799, ClinGen allele CA341277002.